The following is an entry in ClinVar:

ClinVar aggregate classification (germline): Likely benign (1 of 4 stars; one submission).

Conditions:
Retinoblastoma (RB1). Also called: RETINOBLASTOMA, SOMATIC. Identifiers: Orphanet 790, MedGen C0035335, MeSH D012175, MONDO:0008380, OMIM 180200, HP:0009919. Disease mechanism: loss of function. Inheritance: Both sporadic and heritable forms are tested..

gnomAD v4.1: 1 of 1,577,210 alleles (0.000063%); highest among the groups gnomAD compares: East Asian, 0.0022%; no homozygotes.

Submission:

All of Us Research Program, National Institutes of Health
Classification: Likely benign for Retinoblastoma. Last evaluated: 2023-04-28. Review status: criteria provided, single submitter. Criteria: ACMG Guidelines, 2015. Collection method: clinical testing. Allele origin: germline. Inheritance: Autosomal dominant inheritance. Observed: 1 variant allele, 1 heterozygote.
Comment: This study involves interpretation of variants in research participants for the purpose of population health screening. Participant phenotype was not available at the time of variant classification. Additional details can be found in publication PMID: 35346344, PMCID: PMC8962531

NM_000321.3(RB1):c.501-8C>T

Gene: RB1 (RB transcriptional corepressor 1; plus strand). Cytogenetic location: 13q14.2.
Variant type: single nucleotide variant.
Coding change: c.501-8C>T on transcript NM_000321.3 (MANE Select); 8 bases into the intron before coding-DNA position 501, C replaced by T.
Molecular consequence: intron variant.
Genome position (GRCh38, 1-based): chr13:48,347,817, C>T. VCF-style: chr13-48347817-C-T. GRCh37 (hg19) VCF-style: chr13-48921953-C-T.
Other names: c.501-8C>T (NM_001407165.1, NM_001407166.1).
Identifiers: ClinVar variation 3070571 (VCV003070571.1), dbSNP rs1952511460, ClinGen allele CA2089971502.